The following is an entry in ClinVar:

ClinVar aggregate classification (somatic clinical impact): Tier I - Strong (1 of 4 stars; one submission).

Conditions:
Medulloblastoma WNT activated. Identifiers: MedGen C4331965, MONDO:0850196.

Submission:

Institute for Genomic Medicine (IGM) Clinical Laboratory, Nationwide Children's Hospital
Classification: Tier I - Strong for Medulloblastoma WNT activated. Assertion type: diagnostic. Clinical significance: supports diagnosis. Last evaluated: 2025-07-09. Review status: criteria provided, single submitter. Criteria: AMP/ASCO/CAP Guidelines, 2017. Collection method: clinical testing. Allele origin: somatic. Affected: yes.
Comment: Variant has Tier I (strong) clinical significance as a diagnostic inclusion criterion in medulloblastoma WNT activated, based on the following evidence: 1) Appears in one or more well-established professional guidelines (e.g., World Health Organization [WHO]; National Comprehensive Cancer Network [NCCN]) as providing diagnostic, prognostic, or therapeutic information. 2) Diagnostic for a specific tumor type/classification based on well-powered studies with expert-level consensus (Evidence Level B; PMIDs: 28726821, 23208470, 33172502, 22009941, 21163964).

Literature cited by the submitters: PubMed 28726821; PubMed 23208470; PubMed 33172502; PubMed 22009941; PubMed 21163964.

NM_006015.6(ARID1A):c.6527_6530del (p.Gln2176fs)

Gene: ARID1A (AT-rich interaction domain 1A; plus strand). Cytogenetic location: 1p36.11.
Variant type: Deletion.
Coding change: c.6527_6530del on transcript NM_006015.6 (MANE Select); coding-DNA positions 6527 to 6530, 4 bases deleted (AGGG; older notation c.6527_6530delAGGG).
Protein change: p.Gln2176fs; shifts the reading frame from glutamine 2176.
Molecular consequence: frameshift variant.
Genome position (GRCh38, 1-based): chr1:26,780,425-26,780,428, AGGG deleted. VCF-style (leftmost placement, unchanged base first): chr1-26780424-CAGGG-C. GRCh37 (hg19) VCF-style: chr1-27106915-CAGGG-C.
Other names: c.5876_5879del, p.Gln1959fs (NM_139135.4); short protein forms Q1959fs, Q2176fs.
Identifiers: ClinVar variation 4530204 (VCV004530204.1).